The following is an entry in ClinVar:

NM_177438.3(DICER1):c.4312T>A (p.Tyr1438Asn)

Gene: DICER1 (dicer 1, ribonuclease III; minus strand). Cytogenetic location: 14q32.13.
Variant type: single nucleotide variant.
Coding change: c.4312T>A on transcript NM_177438.3 (MANE Select); coding-DNA position 4312, T replaced by A.
Protein change: p.Tyr1438Asn; replaces tyrosine 1438 with asparagine.
Molecular consequence: missense variant.
Genome position (GRCh38, 1-based): chr14:95,096,608, A>T on the plus strand (T>A on the coding strand, the complement: DICER1 is on the minus strand). VCF-style: chr14-95096608-A-T. GRCh37 (hg19) VCF-style: chr14-95562945-A-T.
Other names: c.4312T>A, p.Tyr1438Asn (NM_001195573.1, NM_001271282.3, NM_001291628.2 and 1 more transcripts); short protein forms Y1438N.
Identifiers: ClinVar variation 242107 (VCV000242107.15), dbSNP rs878855264, ClinGen allele CA10583195.

ClinVar aggregate classification (germline): Uncertain significance. Review status: criteria provided, multiple submitters, no conflicts (2 of 4 stars). 3 submissions from 3 submitters: Uncertain significance (3). Last evaluated 2026-01-26.

Conditions:
DICER1-related tumor predisposition. Also called: DICER1 syndrome; DICER1-related pleuropulmonary blastoma cancer predisposition syndrome. Identifiers: Orphanet 284343, MedGen C3839822, MONDO:0100216.
Hereditary cancer-predisposing syndrome. Also called: Neoplastic Syndromes, Hereditary; Tumor predisposition; Hereditary neoplastic syndrome; Hereditary Cancer Syndrome. Identifiers: Orphanet 140162, MedGen C0027672, MeSH D009386, MONDO:0015356.

Allele frequency attached by ClinVar (database versions not stated): gnomAD exomes below 0.00001; gnomAD 0.00001.
gnomAD v4.1: 5 of 1,611,762 alleles (0.00031%); highest among the groups gnomAD compares: Non-Finnish European, 0.00042%; no homozygotes.

Submissions (3):

Labcorp Genetics (formerly Invitae), Labcorp
Classification: Uncertain significance for DICER1-related tumor predisposition. Last evaluated: 2026-01-26. Review status: criteria provided, single submitter. Criteria: Invitae Variant Classification Sherloc (09022015). Collection method: clinical testing. Allele origin: germline.
Comment: This sequence change replaces tyrosine, which is neutral and polar, with asparagine, which is neutral and polar, at codon 1438 of the DICER1 protein (p.Tyr1438Asn). This variant is not present in population databases (gnomAD no frequency). This variant has not been reported in the literature in individuals affected with DICER1-related conditions. ClinVar contains an entry for this variant (Variation ID: 242107). Invitae Evidence Modeling of protein sequence and biophysical properties (such as structural, functional, and spatial information, amino acid conservation, physicochemical variation, residue mobility, and thermodynamic stability) indicates that this missense variant is not expected to disrupt DICER1 protein function with a negative predictive value of 95%. In summary, the available evidence is currently insufficient to determine the role of this variant in disease. Therefore, it has been classified as a Variant of Uncertain Significance.

Ambry Genetics
Classification: Uncertain significance for Hereditary cancer-predisposing syndrome. Last evaluated: 2025-05-20. Review status: criteria provided, single submitter. Criteria: Ambry Variant Classification Scheme 2023. Collection method: clinical testing. Allele origin: germline.

Sema4
Classification: Uncertain significance for Hereditary cancer-predisposing syndrome. Last evaluated: 2021-06-16. Review status: criteria provided, single submitter. Criteria: Sema4 Curation Guidelines. Collection method: curation. Allele origin: germline.
Comment: The DICER1 c.4312T>A (p.Y1438N) variant has not been reported in the literature to our knowledge. It was observed in 1/15432 chromosomes of the Non-Finnish European subpopulation in the large and broad cohorts of the Genome Aggregation Database. The variant has been reported in ClinVar (Variation ID 242107). In silico tools suggest the impact of the variant on protein function is inconclusive, though these predictions have not been confirmed by functional studies. The evidence is insufficient to meet ACMG/AMP criteria for classifying the variant as benign or pathogenic. Thus, the clinical significance of this variant is currently uncertain.